The following is an entry in ClinVar:

NM_003410.4(ZFX):c.966T>A (p.Val322=)

Gene: ZFX (zinc finger protein X-linked; plus strand). Cytogenetic location: Xp22.11.
Variant type: single nucleotide variant.
Coding change: c.966T>A on transcript NM_003410.4 (MANE Select); coding-DNA position 966, T replaced by A.
Protein change: p.Val322=; no amino-acid change (valine 322 retained).
Molecular consequence: synonymous variant.
Genome position (GRCh38, 1-based): chrX:24,208,243, T>A. VCF-style: chrX-24208243-T-A. GRCh37 (hg19) VCF-style: chrX-24226360-T-A.
Other names: c.966T>A, p.Val322= (NM_001178084.2, NM_001178085.1, NM_001178095.2); c.279T>A, p.Val93= (NM_001178086.2); c.1083T>A, p.Val361= (NM_001330327.2).
Identifiers: ClinVar variation 3778095 (VCV003778095.7).
Genomic context (GRCh38, chrX:24,208,243, plus strand): 5'-CCTGGTCACAGAAGTTTTTGTAACTTTCTACTTAGATGTTGCTGAAATCGCTGACGAAGT[T>A]TATATGGAAGTGATCGTAGGAGAGGAGGATGCTGCAGCAGCAGCGGCAGCCGCCGCCGTG-3'
Protein context (NP_003401.2, residues 312-332): DLNVAEIADE[Val322=]YMEVIVGEED

ClinVar aggregate classification (germline): Likely benign (1 of 4 stars; one submission).

Submission:

CeGaT Center for Human Genetics Tuebingen
Classification: Likely benign. Last evaluated: 2026-07-01. Review status: criteria provided, single submitter. Criteria: CeGaT Center For Human Genetics Tuebingen Variant Classification Criteria Version 2. Collection method: clinical testing. Allele origin: germline. Affected: yes. Observed: 3 variant alleles.
Comment: ZFX: PM2:Supporting, BP4, BP7